The following is an entry in ClinVar:

ClinVar aggregate classification (germline): Benign/Likely benign. Review status: criteria provided, multiple submitters, no conflicts (2 of 4 stars). 3 submissions from 3 submitters: Benign (1); Likely benign (2). Last evaluated 2025-08-07.

Conditions:
Hereditary cancer-predisposing syndrome. Also called: Tumor predisposition; Hereditary Cancer Syndrome; Neoplastic Syndromes, Hereditary; Hereditary neoplastic syndrome. Identifiers: Orphanet 140162, MedGen C0027672, MeSH D009386, MONDO:0015356.
Familial adenomatous polyposis 1 (FAP1). Also called: FAMILIAL ADENOMATOUS POLYPOSIS 1, ATTENUATED; POLYPOSIS, ADENOMATOUS INTESTINAL. Identifiers: MedGen C2713442, MONDO:0021056, OMIM 175100. Disease mechanism: loss of function.

Submissions (3):

Labcorp Genetics (formerly Invitae), Labcorp
Classification: Likely benign for Familial adenomatous polyposis 1. Last evaluated: 2025-08-07. Review status: criteria provided, single submitter. Criteria: Invitae Variant Classification Sherloc (09022015). Collection method: clinical testing. Allele origin: germline.

Myriad Genetics, Inc.
Classification: Benign for Familial adenomatous polyposis 1. Last evaluated: 2024-03-14. Review status: criteria provided, single submitter. Criteria: Myriad Autosomal Dominant, Autosomal Recessive and X-Linked Classification Criteria (2023). Collection method: clinical testing. Allele origin: unknown.
Comment: This variant is considered benign. This variant is a silent/synonymous amino acid change and it is not expected to impact splicing.

Ambry Genetics
Classification: Likely benign for Hereditary cancer-predisposing syndrome. Last evaluated: 2022-04-29. Review status: criteria provided, single submitter. Criteria: Ambry Variant Classification Scheme 2023. Collection method: clinical testing. Allele origin: germline.

NM_000038.6(APC):c.2643C>A (p.Ser881=)

Gene: APC (APC regulator of Wnt signaling pathway; plus strand). Cytogenetic location: 5q22.2.
Variant type: single nucleotide variant.
Coding change: c.2643C>A on transcript NM_000038.6 (MANE Select); coding-DNA position 2643, C replaced by A.
Protein change: p.Ser881=; no amino-acid change (serine 881 retained).
Molecular consequence: synonymous variant. On other transcripts: non-coding transcript variant (2).
Genome position (GRCh38, 1-based): chr5:112,838,237, C>A. VCF-style: chr5-112838237-C-A. GRCh37 (hg19) VCF-style: chr5-112173934-C-A.
Other names: c.2643C>A, p.Ser881= (NM_001127510.3, NM_001354895.2, NM_001407450.1); c.2589C>A, p.Ser863= (NM_001127511.3); c.2697C>A, p.Ser899= (NM_001354896.2, NM_001407447.1, NM_001407448.1 and 1 more transcripts); c.2673C>A, p.Ser891= (NM_001354897.2); c.2568C>A, p.Ser856= (NM_001354898.2); c.2559C>A, p.Ser853= (NM_001354899.2); c.2520C>A, p.Ser840= (NM_001354900.2); c.2466C>A, p.Ser822= (NM_001354901.2, NM_001407453.1); and 11 more.
Identifiers: ClinVar variation 1794215 (VCV001794215.7), dbSNP rs2149874351, ClinGen allele CA445962974.